The following is an entry in ClinVar:

NM_002206.3(ITGA7):c.1887+2T>C

Gene: ITGA7 (integrin subunit alpha 7; minus strand). Cytogenetic location: 12q13.2.
Variant type: single nucleotide variant.
Coding change: c.1887+2T>C on transcript NM_002206.3 (MANE Select); the canonical splice donor site of the intron after coding-DNA position 1887, T replaced by C.
Molecular consequence: splice donor variant.
Genome position (GRCh38, 1-based): chr12:55,696,281, A>G on the plus strand (T>C on the coding strand, the complement: ITGA7 is on the minus strand). VCF-style: chr12-55696281-A-G. GRCh37 (hg19) VCF-style: chr12-56090065-A-G.
Other names: c.2019+2T>C (NM_001410977.1); c.1608+2T>C (NM_001144997.2); c.1560+2T>C (NM_001367993.1); c.1548+2T>C (NM_001414035.1); c.1704+2T>C (NM_001414033.1); c.543+2T>C (NM_001367994.1); c.1767+2T>C (NM_001414032.1); c.1800+2T>C (NM_001414031.1); and 5 more.
Identifiers: ClinVar variation 2166261 (VCV002166261.6), dbSNP rs1324740221, ClinGen allele CA385186873.

ClinVar aggregate classification (germline): Likely pathogenic. Review status: criteria provided, multiple submitters, no conflicts (2 of 4 stars). 3 submissions from 3 submitters: Likely pathogenic (3). Last evaluated 2026-08-06.

Conditions:
Congenital muscular dystrophy due to integrin alpha-7 deficiency. Also called: MYOPATHY, CONGENITAL, DUE TO INTEGRIN ALPHA-7 DEFICIENCY; Congenital muscular dystrophy with integrin alpha-7 deficiency; Muscular dystrophy, congenital, due to ITGA7 deficiency. Identifiers: Orphanet 34520, MedGen C2750786, MONDO:0013177, OMIM 613204.

Allele frequency attached by ClinVar (database versions not stated): gnomAD exomes below 0.00001; TOPMed below 0.00001; gnomAD 0.00001.
gnomAD v4.1: 3 of 1,565,764 alleles (0.00019%); highest among the groups gnomAD compares: Non-Finnish European, 0.00026%; no homozygotes.

Submissions (3):

OLLIN Analises Genomicas, OLLIN
Classification: Likely pathogenic for Congenital muscular dystrophy due to integrin alpha-7 deficiency. Last evaluated: 2026-08-06. Review status: criteria provided, single submitter. Criteria: ACMG Guidelines 2015 PMID 25741868. Collection method: clinical testing. Allele origin: germline.
Comment: This variant, located at the canonical splicing site (splice donor), has been reported in ClinVar (accession VCV002166261.5) and in gnomAD with an allele frequency of 0.00019%. However, to our knowledge, it has not been reported in the scientific literature. This variant is predicted to disrupt a canonical splice site, potentially leading to exon skipping, mRNA degradation via nonsense-mediated decay (NMD), or production of a truncated protein. According to the currently available evidence, this variant has been classified as likely pathogenic (PVS1, PM2_P).

Department of Pathology and Laboratory Medicine, Sinai Health System
Classification: Likely pathogenic for Congenital muscular dystrophy due to integrin alpha-7 deficiency. Last evaluated: 2023-02-06. Review status: criteria provided, single submitter. Criteria: ACMG Guidelines, 2015. Collection method: research. Allele origin: germline.

Labcorp Genetics (formerly Invitae), Labcorp
Classification: Likely pathogenic for Congenital muscular dystrophy due to integrin alpha-7 deficiency. Last evaluated: 2022-01-03. Review status: criteria provided, single submitter. Criteria: Invitae Variant Classification Sherloc (09022015). Collection method: clinical testing. Allele origin: germline.
Comment: In summary, the currently available evidence indicates that the variant is pathogenic, but additional data are needed to prove that conclusively. Therefore, this variant has been classified as Likely Pathogenic. Algorithms developed to predict the effect of sequence changes on RNA splicing suggest that this variant may disrupt the consensus splice site. This variant has not been reported in the literature in individuals affected with ITGA7-related conditions. The frequency data for this variant in the population databases is considered unreliable, as metrics indicate poor data quality at this position in the gnomAD database. This sequence change affects a donor splice site in intron 13 of the ITGA7 gene. It is expected to disrupt RNA splicing. Variants that disrupt the donor or acceptor splice site typically lead to a loss of protein function (PMID: 16199547), and loss-of-function variants in ITGA7 are known to be pathogenic (PMID: 9590299).

Literature cited by the submitters: PubMed 16199547 (cited by Labcorp Genetics (formerly Invitae), Labcorp); PubMed 9590299 (cited by Labcorp Genetics (formerly Invitae), Labcorp).